The following is an entry in ClinVar:

NM_014714.4(IFT140):c.2067+5G>A

Gene: IFT140 (intraflagellar transport 140; minus strand). Cytogenetic location: 16p13.3.
Variant type: single nucleotide variant.
Coding change: c.2067+5G>A on transcript NM_014714.4 (MANE Select); 5 bases into the intron after coding-DNA position 2067, G replaced by A.
Molecular consequence: intron variant.
Genome position (GRCh38, 1-based): chr16:1,563,992, C>T on the plus strand (G>A on the coding strand, the complement: IFT140 is on the minus strand). VCF-style: chr16-1563992-C-T. GRCh37 (hg19) VCF-style: chr16-1613993-C-T.
Identifiers: ClinVar variation 1034941 (VCV001034941.7), dbSNP rs370629233, ClinGen allele CA7814028.

ClinVar aggregate classification (germline): Uncertain significance. Review status: criteria provided, multiple submitters, no conflicts (2 of 4 stars). 4 submissions from 4 submitters: Uncertain significance (4). Last evaluated 2026-06-02.

Conditions:
Saldino-Mainzer syndrome (SRTD9). Also called: CONORENAL SYNDROME; Renal dysplasia, retinal pigmentary dystrophy, cerebellar ataxia and skeletal dysplasia; SHORT-RIB THORACIC DYSPLASIA 9 WITHOUT POLYDACTYLY; short-rib thoracic dysplasia 9 with or without polydactyly. Identifiers: Orphanet 140969, MedGen C1849437, MONDO:0009964, OMIM 266920.
Retinitis pigmentosa 80 (RP80). Identifiers: MedGen C4540439, MONDO:0054708, OMIM 617781.

Allele frequency attached by ClinVar (database versions not stated): ESP Exome Variant Server 0.00008; TOPMed 0.00003; ExAC 0.00006; gnomAD exomes 0.00007.
gnomAD v4.1: 78 of 1,563,622 alleles (0.005%); highest among the groups gnomAD compares: Admixed American, 0.03%; no homozygotes.

Submissions (4):

Women's Health and Genetics/Laboratory Corporation of America, LabCorp
Classification: Uncertain significance. Last evaluated: 2026-06-02. Review status: criteria provided, single submitter. Criteria: LabCorp Variant Classification Summary - May 2015. Collection method: clinical testing. Allele origin: germline.
Comment: Variant summary: IFT140 c.2067+5G>A alters a non-conserved nucleotide located close to a canonical splice site and therefore could affect mRNA splicing, leading to a significantly altered protein sequence. Several computational tools predict a significant impact on normal splicing: Two predict the variant abolishes a 5' splicing donor site. Two predict the variant weakens a 5' donor site. However, these predictions have yet to be confirmed by functional studies. The variant allele was found at a frequency of 7.3e-05 in 234088 control chromosomes. This frequency is not significantly higher than estimated for disease-causing variants in IFT140, allowing no conclusion about variant significance. c.2067+5G>A has been observed in the presumed compound heterozygous state in at least 1 and in the simple heterozygous state (without strong evidence for causality) in at least 1 individual(s) affected with IFT140-related conditions (Zenteno_2020, internal data). These data do not allow any conclusion about variant significance. To our knowledge, no experimental evidence demonstrating an impact on protein function has been reported. The following publications has been ascertained in the context of this evaluation (PMID: 31736247). ClinVar contains an entry for this variant (Variation ID: 1034941). Based on the evidence outlined above, the variant was classified as uncertain significance.

Labcorp Genetics (formerly Invitae), Labcorp
Classification: Uncertain significance for Saldino-Mainzer syndrome. Last evaluated: 2025-09-21. Review status: criteria provided, single submitter. Criteria: Invitae Variant Classification Sherloc (09022015). Collection method: clinical testing. Allele origin: germline.
Comment: This sequence change falls in intron 17 of the IFT140 gene. It does not directly change the encoded amino acid sequence of the IFT140 protein. It affects a nucleotide within the consensus splice site. This variant is present in population databases (rs370629233, gnomAD 0.04%). This variant has been observed in individual(s) with clinical features of retinitis pigmentosa (internal data). ClinVar contains an entry for this variant (Variation ID: 1034941). Variants that disrupt the consensus splice site are a relatively common cause of aberrant splicing (PMID: 17576681, 9536098). Algorithms developed to predict the effect of sequence changes on RNA splicing suggest that this variant may disrupt the consensus splice site. In summary, the available evidence is currently insufficient to determine the role of this variant in disease. Therefore, it has been classified as a Variant of Uncertain Significance.

Fulgent Genetics
Classification: Uncertain significance for Saldino-Mainzer syndrome; Retinitis pigmentosa 80. Last evaluated: 2024-04-26. Review status: criteria provided, single submitter. Criteria: ACMG Guidelines, 2015. Collection method: clinical testing. Allele origin: germline.

GeneDx
Classification: Uncertain significance. Last evaluated: 2022-10-03. Review status: criteria provided, single submitter. Criteria: GeneDx Variant Classification Process June 2021. Collection method: clinical testing. Allele origin: germline. Affected: yes.
Comment: In silico analysis supports that this variant does not alter splicing; Has not been previously published as pathogenic or benign to our knowledge

Literature cited by the submitters: PubMed 31736247 (cited by Women's Health and Genetics/Laboratory Corporation of America, LabCorp); PubMed 17576681 (cited by Labcorp Genetics (formerly Invitae), Labcorp); PubMed 9536098 (cited by Labcorp Genetics (formerly Invitae), Labcorp).